The following is an entry in ClinVar:

NC_000012.11:g.(?_88447419)_(88448200_?)dup

Gene: CEP290 (centrosomal protein 290; minus strand). Cytogenetic location: 12q21.32.
Variant type: Duplication.
Identifiers: ClinVar variation 1525184 (VCV001525184.5).

ClinVar aggregate classification (germline): Likely pathogenic (1 of 4 stars; one submission).

Conditions:
Nephronophthisis. Also called: Juvenile Nephronophthisis. Identifiers: Orphanet 655, MedGen C0687120, MONDO:0019005, HP:0000090.
Meckel-Gruber syndrome. Also called: DYSENCEPHALIA SPLANCHNOCYSTICA; GRUBER SYNDROME; Dysencephalia splachnocystica. Identifiers: Orphanet 564, MedGen C0265215, MONDO:0018921.
Joubert syndrome. Also called: CEREBELLOPARENCHYMAL DISORDER IV; JOUBERT-BOLTSHAUSER SYNDROME; Familial aplasia of the vermis. Identifiers: Orphanet 475, MedGen C5979921, MONDO:0018772.

Submission:

Labcorp Genetics (formerly Invitae), Labcorp
Classification: Likely pathogenic for Joubert syndrome; Meckel-Gruber syndrome; Nephronophthisis. Last evaluated: 2021-02-18. Review status: criteria provided, single submitter. Criteria: Invitae Variant Classification Sherloc (09022015). Collection method: clinical testing. Allele origin: germline.
Comment: This variant results in a copy number gain of the genomic region encompassing exon(s) 51-52 of the CEP290 gene. While the exact position of this variant cannot be determined from the data, sub-genic copy number gains are generally in tandem (PMID: 25640679). This variant is predicted to be out-of-frame, and may result in an absent or disrupted protein product. Loss-of-function variants in CEP290 are known to be pathogenic (PMID: 16909394, 17345604, 20690115). This variant has not been reported in the literature in individuals with CEP290-related conditions. In summary, the currently available evidence indicates that the variant is pathogenic, but additional data are needed to prove that conclusively. Therefore, this variant has been classified as Likely Pathogenic.

Literature cited by the submitters: PubMed 25640679; PubMed 16909394; PubMed 17345604; PubMed 20690115.